The following is an entry in ClinVar:

NM_001267550.2(TTN):c.58876G>A (p.Ala19626Thr)

Genes: TTN (titin; minus strand), TTN-AS1 (TTN antisense RNA 1; plus strand). Cytogenetic location: 2q31.2.
Variant type: single nucleotide variant.
Coding change: c.58876G>A on transcript NM_001267550.2 (MANE Select); coding-DNA position 58876, G replaced by A.
Protein change: p.Ala19626Thr; replaces alanine 19626 with threonine.
Molecular consequence: missense variant.
Genome position (GRCh38, 1-based): chr2:178,593,332, C>T on the plus strand (G>A on the coding strand, the complement: TTN is on the minus strand). VCF-style: chr2-178593332-C-T. GRCh37 (hg19) VCF-style: chr2-179458059-C-T.
Other names: c.53953G>A, p.Ala17985Thr (NM_001256850.1); c.31681G>A, p.Ala10561Thr (NM_003319.4); c.51172G>A, p.Ala17058Thr (NM_133378.4); c.32056G>A, p.Ala10686Thr (NM_133432.3); c.32257G>A, p.Ala10753Thr (NM_133437.4); short protein forms A19626T, A10686T, A10753T, A17985T, A10561T, A17058T.
Identifiers: ClinVar variation 404675 (VCV000404675.5), dbSNP rs371278320, ClinGen allele CA1992763.

ClinVar aggregate classification (germline): Conflicting classifications of pathogenicity. Review status: criteria provided, conflicting classifications (1 of 4 stars). 3 submissions from 3 submitters: Uncertain significance (2); Likely benign (1). Last evaluated 2026-09-21.

Conditions:
TTN-related disorder. Also called: TTN-related disorders; TTN-related condition; TTN-related disease.
Dilated cardiomyopathy 1G (CMD1G). Identifiers: Orphanet 154, MedGen C1858763, MONDO:0011400, OMIM 604145.
Autosomal recessive limb-girdle muscular dystrophy type 2J (LGMDR10). Also called: Limb-girdle muscular dystrophy, type 2J; MUSCULAR DYSTROPHY, LIMB-GIRDLE, AUTOSOMAL RECESSIVE 10. Identifiers: Orphanet 140922, MedGen C1837342, MONDO:0012127, OMIM 608807.

Allele frequency attached by ClinVar (database versions not stated): TOPMed 0.00002; gnomAD exomes 0.00001 and 0.00003; gnomAD 0.00003 and 0.00002; ESP Exome Variant Server 0.00008; ExAC 0.00002.
gnomAD v4.1: 54 of 1,613,296 alleles (0.0033%); highest among the groups gnomAD compares: Non-Finnish European, 0.0044%; no homozygotes.

Submissions (3):

Molecular Diagnostic Laboratory for Inherited Cardiovascular Disease, Montreal Heart Institute
Classification: Likely benign. Last evaluated: 2026-09-21. Review status: criteria provided, single submitter. Criteria: ACMG Guidelines, 2015. Collection method: clinical testing. Allele origin: germline. Affected: no.
Comment: BP1

PreventionGenetics, part of Exact Sciences
Classification: Uncertain significance for TTN-related condition. Last evaluated: 2025-07-02. Review status: criteria provided, single submitter. Criteria: ACMG Guidelines, 2015. Collection method: clinical testing. Allele origin: germline.
Comment: The TTN c.58876G>A variant is predicted to result in the amino acid substitution p.Ala19626Thr. To our knowledge, this variant has not been reported in the literature. This variant is reported in 0.0027% of alleles in individuals of European (Non-Finnish) descent in gnomAD. At this time, the clinical significance of this variant is uncertain due to the absence of conclusive functional and genetic evidence.

Labcorp Genetics (formerly Invitae), Labcorp
Classification: Uncertain significance for Dilated cardiomyopathy 1G; Autosomal recessive limb-girdle muscular dystrophy type 2J. Last evaluated: 2016-06-20. Review status: criteria provided, single submitter. Criteria: Invitae Variant Classification Sherloc (09022015). Collection method: clinical testing. Allele origin: germline.